The following is an entry in ClinVar:

ClinVar aggregate classification (germline): Conflicting classifications of pathogenicity. Review status: criteria provided, conflicting classifications (1 of 4 stars). 3 submissions from 3 submitters: Uncertain significance (2); Likely benign (1). Last evaluated 2024-04-17.

Conditions:
KBG syndrome (KBGS). Also called: ANKRD11-Related KBG Syndrome. Identifiers: Orphanet 2332, MedGen C0220687, MONDO:0007846, OMIM 148050.
Inborn genetic diseases. Identifiers: MedGen C0950123, MeSH D030342.

Submissions (3):

Labcorp Genetics (formerly Invitae), Labcorp
Classification: Uncertain significance for KBG syndrome. Last evaluated: 2024-04-17. Review status: criteria provided, single submitter. Criteria: Invitae Variant Classification Sherloc (09022015). Collection method: clinical testing. Allele origin: germline.
Comment: This variant, c.1356_1358del, results in the deletion of 1 amino acid(s) of the ANKRD11 protein (p.Asn452del), but otherwise preserves the integrity of the reading frame. This variant is present in population databases (rs768891680, gnomAD 0.03%). This variant has not been reported in the literature in individuals affected with ANKRD11-related conditions. Experimental studies and prediction algorithms are not available or were not evaluated, and the functional significance of this variant is currently unknown. In summary, the available evidence is currently insufficient to determine the role of this variant in disease. Therefore, it has been classified as a Variant of Uncertain Significance.

Blueprint Genetics
Classification: Uncertain significance. Last evaluated: 2023-09-13. Review status: criteria provided, single submitter. Criteria: ACMG Guidelines, 2015. Collection method: clinical testing. Allele origin: germline.

Ambry Genetics
Classification: Likely benign for Inborn genetic diseases. Last evaluated: 2021-09-16. Review status: criteria provided, single submitter. Criteria: Ambry Variant Classification Scheme 2023. Collection method: clinical testing. Allele origin: germline.

NM_013275.6(ANKRD11):c.1356_1358del (p.Asn452del)

Gene: ANKRD11 (ankyrin repeat domain 11; minus strand). Cytogenetic location: 16q24.3.
Variant type: Deletion.
Coding change: c.1356_1358del on transcript NM_013275.6 (MANE Select); coding-DNA positions 1356 to 1358, 3 bases deleted (TAA; older notation c.1356_1358delTAA).
Protein change: p.Asn452del; deletes asparagine 452.
Molecular consequence: inframe deletion.
Genome position (GRCh38, 1-based): chr16:89,285,184-89,285,186, TTA deleted on the plus strand (TAA on the coding strand, the reverse complement: ANKRD11 is on the minus strand); deleting any 3 consecutive bases within chr16:89,285,184-89,285,188 gives the same sequence; the c. name uses the placement nearest the transcript's 3' end. VCF-style (leftmost placement, unchanged base first): chr16-89285183-TTTA-T. GRCh37 (hg19) VCF-style: chr16-89351591-TTTA-T.
Other names: c.1356_1358delTAA (NM_013275.4); c.1356_1358del, p.Asn452del (NM_001256182.2, NM_001256183.2); short protein forms N452del.
Identifiers: ClinVar variation 2719677 (VCV002719677.5), dbSNP rs768891680, ClinGen allele CA8242797.